The following is an entry in ClinVar:

NM_000093.5(COL5A1):c.5126G>T (p.Arg1709Leu)

Genes: COL5A1 (collagen type V alpha 1 chain; plus strand), LOC101448202 (uncharacterized LOC101448202; minus strand). Cytogenetic location: 9q34.3.
Variant type: single nucleotide variant.
Coding change: c.5126G>T on transcript NM_000093.5 (MANE Select); coding-DNA position 5126, G replaced by T.
Protein change: p.Arg1709Leu; replaces arginine 1709 with leucine.
Molecular consequence: missense variant. On other transcripts: intron variant (1).
Genome position (GRCh38, 1-based): chr9:134,830,034, G>T. VCF-style: chr9-134830034-G-T. GRCh37 (hg19) VCF-style: chr9-137721880-G-T.
Other names: c.5068-74G>T (NM_001278074.1); short protein forms R1709L.
Identifiers: ClinVar variation 3657854 (VCV003657854.2).
Genomic context (GRCh38, chr9:134,830,034, plus strand): 5'-AGGCCAGAATCACTTCTTGGCCCAAAGAAAACCCGGGCTCCTGGTTCAGTGAATTCAAGC[G>T]TGGGAAACTGGTAAGGTGGCCTCTGGCGTCTTTGCGGTTGTCACTTTAAACCCGCCCATC-3'
Protein context (NP_000084.3, residues 1699-1719): NPGSWFSEFK[Arg1709Leu]GKLLSYVDAE

ClinVar aggregate classification (germline): Uncertain significance (1 of 4 stars; one submission).

Conditions:
Ehlers-Danlos syndrome, classic type, 1 (EDSCL1). Also called: EHLERS-DANLOS SYNDROME, GRAVIS TYPE; EHLERS-DANLOS SYNDROME, SEVERE CLASSIC TYPE; Ehlers-Danlos syndrome, type 1; Ehlers-Danlos Syndrome, Classic Type, COL5A1-Related; EDS I. Identifiers: MedGen C0268335, MONDO:0019567, OMIM 130000.

gnomAD v4.1: 3 of 1,614,040 alleles (0.00019%); highest among the groups gnomAD compares: Non-Finnish European, 0.00025%; no homozygotes.

Submission:

Labcorp Genetics (formerly Invitae), Labcorp
Classification: Uncertain significance for Ehlers-Danlos syndrome, classic type, 1. Last evaluated: 2025-09-08. Review status: criteria provided, single submitter. Criteria: Invitae Variant Classification Sherloc (09022015). Collection method: clinical testing. Allele origin: germline.
Comment: This sequence change replaces arginine, which is basic and polar, with leucine, which is neutral and non-polar, at codon 1709 of the COL5A1 protein (p.Arg1709Leu). This variant is not present in population databases (gnomAD no frequency). This missense change has been observed in individual(s) with clinical features of hereditary palmoplantar keratoderma (PMID: 33914963). ClinVar contains an entry for this variant (Variation ID: 3657854). Invitae Evidence Modeling of protein sequence and biophysical properties (such as structural, functional, and spatial information, amino acid conservation, physicochemical variation, residue mobility, and thermodynamic stability) indicates that this missense variant is not expected to disrupt COL5A1 protein function with a negative predictive value of 95%. In summary, the available evidence is currently insufficient to determine the role of this variant in disease. Therefore, it has been classified as a Variant of Uncertain Significance.

Literature cited by the submitters: PubMed 33914963.